The following is an entry in ClinVar:

ClinVar aggregate classification (germline): Uncertain significance (1 of 4 stars; one submission).

Conditions:
CSNK1D-related disorder. Also called: CSNK1D-related condition.

gnomAD v4.1: 144 of 1,233,672 alleles (0.012%); highest among the groups gnomAD compares: Non-Finnish European, 0.013%; no homozygotes.

Submission:

PreventionGenetics, part of Exact Sciences
Classification: Uncertain significance for CSNK1D-related condition. Last evaluated: 2025-06-12. Review status: criteria provided, single submitter. Criteria: ACMG Guidelines, 2015. Collection method: clinical testing. Allele origin: germline.
Comment: The CSNK1D c.1237C>T variant is predicted to result in the amino acid substitution p.Arg413Cys. To our knowledge, this variant has not been reported in the literature. This variant is reported in 0.0049% of alleles in individuals of European (Non-Finnish) descent in gnomAD. This variant corresponds to a post-coding position in an alternate transcript for this gene (NM_001893:c.*4758C>T). Although we suspect that this variant may be benign, at this time, the clinical significance of this variant is uncertain due to the absence of conclusive functional and genetic evidence.

NM_001363749.2(CSNK1D):c.1237C>T (p.Arg413Cys)

Genes: CSNK1D (casein kinase 1 delta; minus strand), SLC16A3 (solute carrier family 16 member 3; plus strand). Cytogenetic location: 17q25.3.
Variant type: single nucleotide variant.
Coding change: c.1237C>T on transcript NM_001363749.2; coding-DNA position 1237, C replaced by T.
Protein change: p.Arg413Cys; replaces arginine 413 with cysteine.
Molecular consequence: missense variant. On other transcripts: 3 prime UTR variant (6).
Genome position (GRCh38, 1-based): chr17:82,240,023, G>A on the plus strand (C>T on the coding strand, the complement: CSNK1D is on the minus strand). VCF-style: chr17-82240023-G-A. GRCh37 (hg19) VCF-style: chr17-80197899-G-A.
Other names: c.*1047G>A (NM_001042422.3, NM_001042423.3, NM_001206950.2 and 3 more transcripts); short protein forms R413C.
Identifiers: ClinVar variation 4978858 (VCV004978858.1).